The following is an entry in ClinVar:

NM_001142864.4(PIEZO1):c.6754-3C>T

Gene: PIEZO1 (piezo type mechanosensitive ion channel component 1 (Er blood group); minus strand). Cytogenetic location: 16q24.3.
Variant type: single nucleotide variant.
Coding change: c.6754-3C>T on transcript NM_001142864.4 (MANE Select); 3 bases into the intron before coding-DNA position 6754, C replaced by T.
Molecular consequence: intron variant.
Genome position (GRCh38, 1-based): chr16:88,716,734, G>A on the plus strand (C>T on the coding strand, the complement: PIEZO1 is on the minus strand). VCF-style: chr16-88716734-G-A. GRCh37 (hg19) VCF-style: chr16-88783142-G-A.
Identifiers: ClinVar variation 2851088 (VCV002851088.3), dbSNP rs745421775, ClinGen allele CA286406688.

ClinVar aggregate classification (germline): Uncertain significance (1 of 4 stars; one submission).

Allele frequency attached by ClinVar (database versions not stated): gnomAD exomes 0.00001; TOPMed 0.00002.

Submission:

Labcorp Genetics (formerly Invitae), Labcorp
Classification: Uncertain significance. Last evaluated: 2024-01-09. Review status: criteria provided, single submitter. Criteria: Invitae Variant Classification Sherloc (09022015). Collection method: clinical testing. Allele origin: germline.
Comment: This sequence change falls in intron 46 of the PIEZO1 gene. It does not directly change the encoded amino acid sequence of the PIEZO1 protein. It affects a nucleotide within the consensus splice site. This variant is present in population databases (rs745421775, gnomAD 0.002%). This variant has not been reported in the literature in individuals affected with PIEZO1-related conditions. Variants that disrupt the consensus splice site are a relatively common cause of aberrant splicing (PMID: 17576681, 9536098). Algorithms developed to predict the effect of sequence changes on RNA splicing suggest that this variant is not likely to affect RNA splicing. In summary, the available evidence is currently insufficient to determine the role of this variant in disease. Therefore, it has been classified as a Variant of Uncertain Significance.

Literature cited by the submitters: PubMed 17576681; PubMed 9536098.